The following is an entry in ClinVar:

NM_006393.3(NEBL):c.647T>C (p.Phe216Ser)

Gene: NEBL (nebulette; minus strand). Cytogenetic location: 10p12.31.
Variant type: single nucleotide variant.
Coding change: c.647T>C on transcript NM_006393.3 (MANE Select); coding-DNA position 647, T replaced by C.
Protein change: p.Phe216Ser; replaces phenylalanine 216 with serine.
Molecular consequence: missense variant. On other transcripts: intron variant (9).
Genome position (GRCh38, 1-based): chr10:20,868,701, A>G on the plus strand (T>C on the coding strand, the complement: NEBL is on the minus strand). VCF-style: chr10-20868701-A-G. GRCh37 (hg19) VCF-style: chr10-21157630-A-G.
Other names: c.250-55761T>C (NM_001377326.1, NM_001377327.1, NM_001377328.1); c.358-55761T>C (NM_213569.2, NM_001173484.2, NM_001377322.1); c.301-55761T>C (NM_001377324.1); c.292-55761T>C (NM_001377325.1); c.310-55761T>C (NM_001377323.1); short protein forms F216S.
Identifiers: ClinVar variation 2038720 (VCV002038720.5), dbSNP rs1844583506, ClinGen allele CA376103190.

ClinVar aggregate classification (germline): Uncertain significance. Review status: criteria provided, multiple submitters, no conflicts (2 of 4 stars). 2 submissions from 2 submitters: Uncertain significance (2). Last evaluated 2023-11-17.

Conditions:
Primary dilated cardiomyopathy (DCM). Also called: Dilated Cardiomyopathy. Identifiers: Orphanet 217604, MedGen C0007193, MeSH D002311, MONDO:0005021, HP:0001644. Inheritance: Various modes of inheritance.

gnomAD v4.1: 2 of 1,613,028 alleles (0.00012%); highest among the groups gnomAD compares: Non-Finnish European, 0.00017%; no homozygotes.

Submissions (2):

Ambry Genetics
Classification: Uncertain significance. Last evaluated: 2023-11-17. Review status: criteria provided, single submitter. Criteria: Ambry Variant Classification Scheme 2023. Collection method: clinical testing. Allele origin: germline.
Comment: The p.F216S variant (also known as c.647T>C), located in coding exon 7 of the NEBL gene, results from a T to C substitution at nucleotide position 647. The phenylalanine at codon 216 is replaced by serine, an amino acid with highly dissimilar properties. This amino acid position is conserved. In addition, the in silico prediction for this alteration is inconclusive. Since supporting evidence is limited at this time, the clinical significance of this alteration remains unclear.

Labcorp Genetics (formerly Invitae), Labcorp
Classification: Uncertain significance for Primary dilated cardiomyopathy. Last evaluated: 2022-09-29. Review status: criteria provided, single submitter. Criteria: Invitae Variant Classification Sherloc (09022015). Collection method: clinical testing. Allele origin: germline.
Comment: In summary, the available evidence is currently insufficient to determine the role of this variant in disease. Therefore, it has been classified as a Variant of Uncertain Significance. Algorithms developed to predict the effect of missense changes on protein structure and function are either unavailable or do not agree on the potential impact of this missense change (SIFT: "Deleterious"; PolyPhen-2: "Probably Damaging"; Align-GVGD: "Class C0"). This variant has not been reported in the literature in individuals affected with NEBL-related conditions. This variant is not present in population databases (gnomAD no frequency). This sequence change replaces phenylalanine, which is neutral and non-polar, with serine, which is neutral and polar, at codon 216 of the NEBL protein (p.Phe216Ser).